The following is an entry in ClinVar:

NM_003073.5(SMARCB1):c.20G>C (p.Ser7Thr)

Gene: SMARCB1 (SWI/SNF related BAF chromatin remodeling complex subunit B1; plus strand). Cytogenetic location: 22q11.23.
Variant type: single nucleotide variant.
Coding change: c.20G>C on transcript NM_003073.5 (MANE Select); coding-DNA position 20, G replaced by C.
Protein change: p.Ser7Thr; replaces serine 7 with threonine.
Molecular consequence: missense variant.
Genome position (GRCh38, 1-based): chr22:23,787,189, G>C. VCF-style: chr22-23787189-G-C. GRCh37 (hg19) VCF-style: chr22-24129376-G-C.
Other names: c.20G>C, p.Ser7Thr (NM_001007468.3, NM_001317946.2, NM_001362877.2); short protein forms S7T.
Identifiers: ClinVar variation 5029922 (VCV005029922.1).
Genomic context (GRCh38, chr22:23,787,189, plus strand): 5'-CCCTCGCAGCCCGGCTCCGGCCGCCCGCCTCTGCCGCCGCAATGATGATGATGGCGCTGA[G>C]CAAGACCTTCGGGCAGAAGCCCGTGAAGTTCCAGCTGGAGGACGACGGCGAGTTCTACAT-3'
Protein context (NP_003064.2, residues 1-17): MMMMAL[Ser7Thr]KTFGQKPVKF

ClinVar aggregate classification (germline): Uncertain significance (1 of 4 stars; one submission).

Conditions:
Hereditary cancer-predisposing syndrome. Also called: Neoplastic Syndromes, Hereditary; Tumor predisposition; Hereditary neoplastic syndrome; Hereditary Cancer Syndrome. Identifiers: Orphanet 140162, MedGen C0027672, MeSH D009386, MONDO:0015356.

gnomAD v4.1: 1 of 1,608,786 alleles (0.000062%); highest among the groups gnomAD compares: East Asian, 0.0022%; no homozygotes.

Submission:

Ambry Genetics
Classification: Uncertain significance for Hereditary cancer-predisposing syndrome. Last evaluated: 2026-07-06. Review status: criteria provided, single submitter. Criteria: Ambry Variant Classification Scheme 2023. Collection method: clinical testing. Allele origin: germline.
Comment: The p.S7T variant (also known as c.20G>C), located in coding exon 1 of the SMARCB1 gene, results from a G to C substitution at nucleotide position 20. The serine at codon 7 is replaced by threonine, an amino acid with similar properties. This amino acid position is conserved. In addition, the in silico prediction for this alteration is inconclusive. Based on the available evidence, the clinical significance of this variant remains unclear.